The following is an entry in ClinVar:

ClinVar aggregate classification (germline): Uncertain significance (1 of 4 stars; one submission).

Conditions:
GATA binding protein 1 related thrombocytopenia with dyserythropoiesis. Also called: GATA1-Related Cytopenia; GATA1-Related X-Linked Cytopenia. Identifiers: MedGen C1845837, MONDO:0100089.
Diamond-Blackfan anemia. Also called: Blackfan Diamond syndrome; Aregenerative anemia chronic congenital; Red cell aplasia, pure hereditary; Congenital hypoplastic anemia; Aase syndrome. Identifiers: Orphanet 124, MedGen C1260899, MeSH D029503, MONDO:0015253, HP:0004810.

Submission:

Labcorp Genetics (formerly Invitae), Labcorp
Classification: Uncertain significance for GATA binding protein 1 related thrombocytopenia with dyserythropoiesis; Diamond-Blackfan anemia. Last evaluated: 2022-10-03. Review status: criteria provided, single submitter. Criteria: Invitae Variant Classification Sherloc (09022015). Collection method: clinical testing. Allele origin: germline.
Comment: In summary, the available evidence is currently insufficient to determine the role of this variant in disease. Therefore, it has been classified as a Variant of Uncertain Significance. Advanced modeling of protein sequence and biophysical properties (such as structural, functional, and spatial information, amino acid conservation, physicochemical variation, residue mobility, and thermodynamic stability) performed at Invitae indicates that this missense variant is not expected to disrupt GATA1 protein function. This variant has not been reported in the literature in individuals affected with GATA1-related conditions. This variant is not present in population databases (gnomAD no frequency). This sequence change replaces lysine, which is basic and polar, with arginine, which is basic and polar, at codon 246 of the GATA1 protein (p.Lys246Arg).

NM_002049.4(GATA1):c.737A>G (p.Lys246Arg)

Gene: GATA1 (GATA binding protein 1; plus strand). Cytogenetic location: Xp11.23.
Variant type: single nucleotide variant.
Coding change: c.737A>G on transcript NM_002049.4 (MANE Select); coding-DNA position 737, A replaced by G.
Protein change: p.Lys246Arg; replaces lysine 246 with arginine.
Molecular consequence: missense variant.
Genome position (GRCh38, 1-based): chrX:48,792,461, A>G. VCF-style: chrX-48792461-A-G. GRCh37 (hg19) VCF-style: chrX-48650868-A-G.
Other names: short protein forms K246R.
Identifiers: ClinVar variation 1720905 (VCV001720905.6), dbSNP rs2519345186, ClinGen allele CA412871072.
Genomic context (GRCh38, chrX:48,792,461, plus strand): 5'-ACGCCTGCGGCCTCTATCACAAGATGAATGGGCAGAACAGGCCCCTCATCCGGCCCAAGA[A>G]GCGCCTGGTAAGACCACAGACCTGCTTCACCTTATACACAGGAACCCCTGTCCTCACCCT-3'
Protein context (NP_002040.1, residues 236-256): GQNRPLIRPK[Lys246Arg]RLIVSKRAGT